The following is an entry in ClinVar:

NM_001374736.1(DST):c.20349G>C (p.Leu6783Phe)

Gene: DST (dystonin; minus strand). Cytogenetic location: 6p12.1.
Variant type: single nucleotide variant.
Coding change: c.20349G>C on transcript NM_001374736.1 (MANE Select); coding-DNA position 20349, G replaced by C.
Protein change: p.Leu6783Phe; replaces leucine 6783 with phenylalanine.
Molecular consequence: missense variant.
Genome position (GRCh38, 1-based): chr6:56,494,055, C>G on the plus strand (G>C on the coding strand, the complement: DST is on the minus strand). VCF-style: chr6-56494055-C-G. GRCh37 (hg19) VCF-style: chr6-56358853-C-G.
Other names: c.13992G>C, p.Leu4664Phe (NM_001144769.5); c.13578G>C, p.Leu4526Phe (NM_001144770.2); c.20349G>C, p.Leu6783Phe (NM_001374722.1); c.19389G>C, p.Leu6463Phe (NM_001374729.1); c.13131G>C, p.Leu4377Phe (NM_001374730.1); c.20376G>C, p.Leu6792Phe (NM_001374734.1); c.13458G>C, p.Leu4486Phe (NM_001386100.1, NM_183380.4); c.12480G>C, p.Leu4160Phe (NM_015548.5); short protein forms L4486F, L6463F, L6792F, L4377F, L4526F, L4664F, L6783F, L4160F.
Identifiers: ClinVar variation 1771690 (VCV001771690.2), dbSNP rs775975734, ClinGen allele CA3866773.
Genomic context (GRCh38, chr6:56,494,055, plus strand): 5'-AATCAAAGCACATACTTTCCTTTCATTGAGTTTGGTTTCCACCGATTCCCATTTTTCTTT[C>G]AAGTTATTTATGTCTTGGTCAATATTTGTCTCTGCAGATTTTGGGCATCTTGCAAGCATC-3'
Protein context (NP_001361665.1, residues 6773-6793): ETNIDQDINN[Leu6783Phe]KEKWESVETK

ClinVar aggregate classification (germline): Uncertain significance (1 of 4 stars; one submission).

Conditions:
Inborn genetic diseases. Identifiers: MedGen C0950123, MeSH D030342.

Allele frequency attached by ClinVar (database versions not stated): gnomAD exomes below 0.00001; ExAC 0.00001; gnomAD 0.00001.
gnomAD v4.1: 2 of 1,602,404 alleles (0.00012%); highest among the groups gnomAD compares: East Asian, 0.0045%; no homozygotes.

Submission:

Ambry Genetics
Classification: Uncertain significance for Inborn genetic diseases. Last evaluated: 2021-04-21. Review status: criteria provided, single submitter. Criteria: Ambry Variant Classification Scheme 2023. Collection method: clinical testing. Allele origin: germline.
Comment: The p.L4664F variant (also known as c.13992G>C), located in coding exon 77 of the DST gene, results from a G to C substitution at nucleotide position 13992. The leucine at codon 4664 is replaced by phenylalanine, an amino acid with highly similar properties. This amino acid position is highly conserved in available vertebrate species. In addition, the in silico prediction for this alteration is inconclusive. Since supporting evidence is limited at this time, the clinical significance of this alteration remains unclear.